The following is an entry in ClinVar:

ClinVar aggregate classification (germline): Uncertain significance (1 of 4 stars; one submission).

Allele frequency attached by ClinVar (database versions not stated): gnomAD 0.00001; TOPMed 0.00001; ExAC 0.00001.
gnomAD v4.1: 2 of 1,610,918 alleles (0.00012%); highest among the groups gnomAD compares: Non-Finnish European, 0.00017%; no homozygotes.

Submission:

Labcorp Genetics (formerly Invitae), Labcorp
Classification: Uncertain significance. Last evaluated: 2025-08-18. Review status: criteria provided, single submitter. Criteria: Invitae Variant Classification Sherloc (09022015). Collection method: clinical testing. Allele origin: germline.
Comment: This sequence change replaces threonine, which is neutral and polar, with isoleucine, which is neutral and non-polar, at codon 636 of the CLCN7 protein (p.Thr636Ile). This variant is present in population databases (rs770278692, gnomAD 0.0009%). This variant has not been reported in the literature in individuals affected with CLCN7-related conditions. ClinVar contains an entry for this variant (Variation ID: 2109268). Invitae Evidence Modeling of protein sequence and biophysical properties (such as structural, functional, and spatial information, amino acid conservation, physicochemical variation, residue mobility, and thermodynamic stability) indicates that this missense variant is not expected to disrupt CLCN7 protein function with a negative predictive value of 95%. In summary, the available evidence is currently insufficient to determine the role of this variant in disease. Therefore, it has been classified as a Variant of Uncertain Significance.

NM_001287.6(CLCN7):c.1907C>T (p.Thr636Ile)

Gene: CLCN7 (Cl-/H+ antiporter 7; minus strand). Cytogenetic location: 16p13.3.
Variant type: single nucleotide variant.
Coding change: c.1907C>T on transcript NM_001287.6 (MANE Select); coding-DNA position 1907, C replaced by T.
Protein change: p.Thr636Ile; replaces threonine 636 with isoleucine.
Molecular consequence: missense variant.
Genome position (GRCh38, 1-based): chr16:1,448,461, G>A on the plus strand (C>T on the coding strand, the complement: CLCN7 is on the minus strand). VCF-style: chr16-1448461-G-A. GRCh37 (hg19) VCF-style: chr16-1498462-G-A.
Other names: c.1835C>T, p.Thr612Ile (NM_001114331.3); short protein forms T612I, T636I.
Identifiers: ClinVar variation 2109268 (VCV002109268.4), dbSNP rs770278692, ClinGen allele CA7809990.